The following is an entry in ClinVar:

ClinVar aggregate classification (germline): Uncertain significance (1 of 4 stars; one submission).

Conditions:
Tuberous sclerosis 1 (TSC1). Identifiers: Orphanet 805, MedGen C1854465, MONDO:0008612, OMIM 191100.

Submission:

Labcorp Genetics (formerly Invitae), Labcorp
Classification: Uncertain significance for Tuberous sclerosis 1. Last evaluated: 2025-11-25. Review status: criteria provided, single submitter. Criteria: Invitae Variant Classification Sherloc (09022015). Collection method: clinical testing. Allele origin: germline.
Comment: This sequence change falls in intron 15 of the TSC1 gene. It does not directly change the encoded amino acid sequence of the TSC1 protein. It affects a nucleotide within the consensus splice site. This variant is not present in population databases (gnomAD no frequency). This variant has not been reported in the literature in individuals affected with TSC1-related conditions. ClinVar contains an entry for this variant (Variation ID: 1368122). Variants that disrupt the consensus splice site are a relatively common cause of aberrant splicing (PMID: 17576681, 9536098). Algorithms developed to predict the effect of sequence changes on RNA splicing suggest that this variant is not likely to affect RNA splicing. In summary, the available evidence is currently insufficient to determine the role of this variant in disease. Therefore, it has been classified as a Variant of Uncertain Significance.

Literature cited by the submitters: PubMed 17576681; PubMed 9536098.

NM_000368.5(TSC1):c.1997+4del

Gene: TSC1 (TSC complex subunit 1; minus strand). Cytogenetic location: 9q34.13.
Variant type: Deletion.
Coding change: c.1997+4del on transcript NM_000368.5 (MANE Select); 4 bases into the intron after coding-DNA position 1997, one base deleted (A; older notation c.1997+4delA).
Molecular consequence: intron variant.
Genome position (GRCh38, 1-based): chr9:132,905,577, T deleted on the plus strand (A on the coding strand, the reverse complement: TSC1 is on the minus strand); the first of 2 consecutive T bases (chr9:132,905,577-132,905,578); deleting either gives the same sequence. VCF-style (leftmost placement, unchanged base first): chr9-132905576-CT-C. GRCh37 (hg19) VCF-style: chr9-135780963-CT-C.
Other names: c.1634+4del (NM_001362177.2); c.1844+4del (NM_001162427.2); c.1994+4del (NM_001162426.2).
Identifiers: ClinVar variation 1368122 (VCV001368122.6), dbSNP rs2131806631, ClinGen allele CA2573144269.